The following is an entry in ClinVar:

NM_001347702.2(SYNE1):c.1489A>C (p.Asn497His)

Gene: SYNE1 (spectrin repeat containing nuclear envelope protein 1; minus strand). Cytogenetic location: 6q25.2.
Variant type: single nucleotide variant.
Coding change: c.1489A>C on transcript NM_001347702.2 (MANE Plus Clinical); coding-DNA position 1489, A replaced by C.
Protein change: p.Asn497His; replaces asparagine 497 with histidine.
Molecular consequence: missense variant. On other transcripts: intron variant (2).
Genome position (GRCh38, 1-based): chr6:152,145,508, T>G on the plus strand (A>C on the coding strand, the complement: SYNE1 is on the minus strand). VCF-style: chr6-152145508-T-G. GRCh37 (hg19) VCF-style: chr6-152466643-T-G.
Other names: p.Asn8271His; c.24811A>C, p.Asn8271His (NM_033071.5); c.24977-1743A>C (NM_182961.4); c.1583-1743A>C (NM_001347701.2); short protein forms N497H, N8271H.
Identifiers: ClinVar variation 4541237 (VCV004541237.1).

ClinVar aggregate classification (germline): Uncertain significance (1 of 4 stars; one submission).

Submission:

Mayo Clinic Laboratories, Mayo Clinic
Classification: Uncertain significance. Last evaluated: 2025-04-30. Review status: criteria provided, single submitter. Criteria: ACMG Guidelines, 2015. Collection method: clinical testing. Allele origin: germline. Observed: 1 variant allele.
Comment: BP4_moderate